The following is an entry in ClinVar:

ClinVar aggregate classification (germline): Uncertain significance (1 of 4 stars; one submission).

Conditions:
CIDEC-related disorder. Also called: CIDEC-related condition.

gnomAD v4.1: 50 of 1,613,972 alleles (0.0031%); highest among the groups gnomAD compares: African/African-American, 0.06%; no homozygotes.

Submission:

PreventionGenetics, part of Exact Sciences
Classification: Uncertain significance for CIDEC-related condition. Last evaluated: 2025-06-19. Review status: criteria provided, single submitter. Criteria: ACMG Guidelines, 2015. Collection method: clinical testing. Allele origin: germline.
Comment: The CIDEC c.500A>G variant is predicted to result in the amino acid substitution p.Asp167Gly. To our knowledge, this variant has not been reported in the literature. This variant is reported in 0.072% of alleles in individuals of African descent in gnomAD. Although we suspect that this variant may be benign, at this time, the clinical significance of this variant is uncertain due to the absence of conclusive functional and genetic evidence.

NM_001321142.2(CIDEC):c.500A>G (p.Asp167Gly)

Gene: CIDEC (cell death inducing DFFA like effector c; minus strand). Cytogenetic location: 3p25.3.
Variant type: single nucleotide variant.
Coding change: c.500A>G on transcript NM_001321142.2 (MANE Select); coding-DNA position 500, A replaced by G.
Protein change: p.Asp167Gly; replaces aspartic acid 167 with glycine.
Molecular consequence: missense variant.
Genome position (GRCh38, 1-based): chr3:9,869,936, T>C on the plus strand (A>G on the coding strand, the complement: CIDEC is on the minus strand). VCF-style: chr3-9869936-T-C. GRCh37 (hg19) VCF-style: chr3-9911620-T-C.
Other names: c.530A>G, p.Asp177Gly (NM_001199551.2); c.500A>G, p.Asp167Gly (NM_001199552.2, NM_001378491.1, NM_022094.3); c.539A>G, p.Asp180Gly (NM_001199623.2); c.278A>G, p.Asp93Gly (NM_001321143.2, NM_001321144.2); short protein forms D167G, D177G, D180G, D93G.
Identifiers: ClinVar variation 4980514 (VCV004980514.1).